The following is an entry in ClinVar:

NM_000465.4(BARD1):c.26_40dup (p.4_8NRQPR[3])

Gene: BARD1 (BRCA1 associated RING domain 1; minus strand). Cytogenetic location: 2q35.
Variant type: Duplication.
Coding change: c.26_40dup on transcript NM_000465.4 (MANE Select); coding-DNA positions 26 to 40, 15 bases duplicated (ACCGGCAGCCGAGGA).
Protein change: p.4_8NRQPR[3].
Molecular consequence: inframe insertion. On other transcripts: non-coding transcript variant (3).
Genome position (GRCh38, 1-based): chr2:214,809,530-214,809,544, TCCTCGGCTGCCGGT duplicated on the plus strand (ACCGGCAGCCGAGGA on the coding strand, the reverse complement: BARD1 is on the minus strand); duplicating any 15 consecutive bases within chr2:214,809,530-214,809,557 gives the same sequence; the c. name uses the placement nearest the transcript's 3' end. VCF-style (leftmost placement, unchanged base first): chr2-214809529-A-ATCCTCGGCTGCCGGT. GRCh37 (hg19) VCF-style: chr2-215674253-A-ATCCTCGGCTGCCGGT.
Other names: c.26_40dup, p.4_8NRQPR[3] (NM_001282543.2, NM_001282545.2, NM_001282548.2 and 1 more transcripts).
Identifiers: ClinVar variation 229935 (VCV000229935.16), dbSNP rs587781979, ClinGen allele CA10577870.

ClinVar aggregate classification (germline): Uncertain significance. Review status: criteria provided, multiple submitters, no conflicts (2 of 4 stars). 2 submissions from 2 submitters: Uncertain significance (2). Last evaluated 2026-01-02.

Conditions:
Hereditary cancer-predisposing syndrome. Also called: Hereditary neoplastic syndrome; Hereditary Cancer Syndrome; Neoplastic Syndromes, Hereditary; Tumor predisposition. Identifiers: Orphanet 140162, MedGen C0027672, MeSH D009386, MONDO:0015356.
Familial cancer of breast. Also called: Hereditary breast cancer; BREAST CANCER, FAMILIAL; hereditary breast carcinoma. Identifiers: Orphanet 227535, MedGen C0346153, MONDO:0016419, OMIM 114480. Disease mechanism: loss of function.

Submissions (2):

Labcorp Genetics (formerly Invitae), Labcorp
Classification: Uncertain significance for Familial cancer of breast. Last evaluated: 2026-01-02. Review status: criteria provided, single submitter. Criteria: Invitae Variant Classification Sherloc (09022015). Collection method: clinical testing. Allele origin: germline.
Comment: This variant, c.26_40dup, results in the insertion of 5 amino acid(s) of the BARD1 protein (p.Asn9_Arg13dup), but otherwise preserves the integrity of the reading frame. This variant is present in population databases (no rsID available, gnomAD 0.007%). This variant has not been reported in the literature in individuals affected with BARD1-related conditions. ClinVar contains an entry for this variant (Variation ID: 229935). Experimental studies and prediction algorithms are not available or were not evaluated, and the functional significance of this variant is currently unknown. In summary, the available evidence is currently insufficient to determine the role of this variant in disease. Therefore, it has been classified as a Variant of Uncertain Significance.

Ambry Genetics
Classification: Uncertain significance for Hereditary cancer-predisposing syndrome. Last evaluated: 2025-08-07. Review status: criteria provided, single submitter. Criteria: Ambry Variant Classification Scheme 2023. Collection method: clinical testing. Allele origin: germline.
Comment: The c.26_40dup15 variant (also known as p.N9_R13dup), located in coding exon 1 of the BARD1 gene, results from an in-frame duplication of 15 nucleotides at nucleotide positions 26 to 40. This results in the duplication of 5 amino acids (NRQPR) at codons 9 to 13. This amino acid region is not well conserved in available vertebrate species. In addition, this alteration is predicted to be neutral by in silico analysis (Choi Y et al. PLoS ONE. 2012; 7(10):e46688). Based on the available evidence, the clinical significance of this variant remains unclear.